The following is an entry in ClinVar:

ClinVar aggregate classification (germline): Uncertain significance (1 of 4 stars; one submission).

Conditions:
Familial thoracic aortic aneurysm and aortic dissection (TAAD). Also called: Thoracic aortic aneurysms and dissections. Identifiers: Orphanet 91387, MedGen C4707243, MONDO:0019625.

Submission:

Ambry Genetics
Classification: Uncertain significance for Familial thoracic aortic aneurysm and aortic dissection. Last evaluated: 2024-12-21. Review status: criteria provided, single submitter. Criteria: Ambry Variant Classification Scheme 2023. Collection method: clinical testing. Allele origin: germline.
Comment: The p.K1136Q variant (also known as c.3406A>C), located in coding exon 25 of the MYH11 gene, results from an A to C substitution at nucleotide position 3406. The lysine at codon 1136 is replaced by glutamine, an amino acid with similar properties. This amino acid position is conserved. In addition, the in silico prediction for this alteration is inconclusive. Based on the available evidence, the clinical significance of this variant remains unclear.

NM_002474.3(MYH11):c.3406A>C (p.Lys1136Gln)

Gene: MYH11 (myosin heavy chain 11; minus strand). Cytogenetic location: 16p13.11.
Variant type: single nucleotide variant.
Coding change: c.3406A>C on transcript NM_002474.3 (MANE Select); coding-DNA position 3406, A replaced by C.
Protein change: p.Lys1136Gln; replaces lysine 1136 with glutamine.
Molecular consequence: missense variant.
Genome position (GRCh38, 1-based): chr16:15,735,466, T>G on the plus strand (A>C on the coding strand, the complement: MYH11 is on the minus strand). VCF-style: chr16-15735466-T-G. GRCh37 (hg19) VCF-style: chr16-15829323-T-G.
Other names: c.3427A>C, p.Lys1143Gln (NM_001040113.2, NM_001040114.2); c.3406A>C, p.Lys1136Gln (NM_022844.3); short protein forms K1143Q, K1136Q.
Identifiers: ClinVar variation 3876290 (VCV003876290.1).